The following is an entry in ClinVar:

NM_007194.4(CHEK2):c.286T>C (p.Leu96=)

Gene: CHEK2 (checkpoint kinase 2; minus strand). Cytogenetic location: 22q12.1.
Variant type: single nucleotide variant.
Coding change: c.286T>C on transcript NM_007194.4 (MANE Select); coding-DNA position 286, T replaced by C.
Protein change: p.Leu96=; no amino-acid change (leucine 96 retained).
Molecular consequence: synonymous variant.
Genome position (GRCh38, 1-based): chr22:28,734,436, A>G on the plus strand (T>C on the coding strand, the complement: CHEK2 is on the minus strand). VCF-style: chr22-28734436-A-G. GRCh37 (hg19) VCF-style: chr22-29130424-A-G.
Other names: c.286T>C, p.Leu96= (NM_145862.3, NM_001005735.3, NM_001349956.3); c.-492T>C (NM_001257387.3).
Identifiers: ClinVar variation 530243 (VCV000530243.12), dbSNP rs1555932127, ClinGen allele CA513946427.
Genomic context (GRCh38, chr22:28,734,436, plus strand): 5'-GTGATACTATACAACAAAGGGTCTTACCAAGATTGGCAAATCCATCCTGAAGGGCCCATA[A>G]TCGAGCCCAGGGGGCAGGGGTAGGCTCCTCAGGTTCTTGGTCCTCAGGTTCTTGGTCCTC-3'
Protein context (NP_009125.1, residues 86-106): EEPTPAPWAR[Leu96=]WALQDGFANL

ClinVar aggregate classification (germline): Benign/Likely benign. Review status: criteria provided, multiple submitters, no conflicts (2 of 4 stars). 3 submissions from 3 submitters: Benign (1); Likely benign (2). Last evaluated 2024-10-02.

Conditions:
Hereditary cancer-predisposing syndrome. Also called: Hereditary neoplastic syndrome; Neoplastic Syndromes, Hereditary; Hereditary Cancer Syndrome; Tumor predisposition. Identifiers: Orphanet 140162, MedGen C0027672, MeSH D009386, MONDO:0015356.
Familial cancer of breast. Also called: BREAST CANCER, FAMILIAL; Hereditary breast cancer; hereditary breast carcinoma. Identifiers: Orphanet 227535, MedGen C0346153, MONDO:0016419, OMIM 114480. Disease mechanism: loss of function.

Submissions (3):

Myriad Genetics, Inc.
Classification: Benign for Familial cancer of breast. Last evaluated: 2024-10-02. Review status: criteria provided, single submitter. Criteria: Myriad Autosomal Dominant, Autosomal Recessive and X-Linked Classification Criteria (2023). Collection method: clinical testing. Allele origin: unknown.
Comment: This variant is considered benign. This variant is a silent/synonymous amino acid change and it is not expected to impact splicing.

Labcorp Genetics (formerly Invitae), Labcorp
Classification: Likely benign for Familial cancer of breast. Last evaluated: 2024-03-06. Review status: criteria provided, single submitter. Criteria: Invitae Variant Classification Sherloc (09022015). Collection method: clinical testing. Allele origin: germline.

Ambry Genetics
Classification: Likely benign for Hereditary cancer-predisposing syndrome. Last evaluated: 2023-06-14. Review status: criteria provided, single submitter. Criteria: Ambry Variant Classification Scheme 2023. Collection method: clinical testing. Allele origin: germline.